The following is an entry in ClinVar:

NM_001042750.2(STAG2):c.3545A>G (p.Tyr1182Cys)

Gene: STAG2 (STAG2 cohesin complex component; plus strand). Cytogenetic location: Xq25.
Variant type: single nucleotide variant.
Coding change: c.3545A>G on transcript NM_001042750.2 (MANE Select); coding-DNA position 3545, A replaced by G.
Protein change: p.Tyr1182Cys; replaces tyrosine 1182 with cysteine.
Molecular consequence: missense variant. On other transcripts: intron variant (8).
Genome position (GRCh38, 1-based): chrX:124,090,931, A>G. VCF-style: chrX-124090931-A-G. GRCh37 (hg19) VCF-style: chrX-123224781-A-G.
Other names: c.3545A>G, p.Tyr1182Cys (NM_001042749.2, NM_001375366.1, NM_001375367.1 and 5 more transcripts); c.3467+167A>G (NM_001375375.1, NM_001042751.2, NM_006603.5 and 5 more transcripts); short protein forms Y1182C.
Identifiers: ClinVar variation 3615913 (VCV003615913.2).

ClinVar aggregate classification (germline): Uncertain significance (1 of 4 stars; one submission).

gnomAD v4.1: 4 of 1,209,527 alleles (0.00033%); highest among the groups gnomAD compares: Admixed American, 0.0022%; no homozygotes.

Submission:

Labcorp Genetics (formerly Invitae), Labcorp
Classification: Uncertain significance. Last evaluated: 2024-08-06. Review status: criteria provided, single submitter. Criteria: Invitae Variant Classification Sherloc (09022015). Collection method: clinical testing. Allele origin: germline.
Comment: This sequence change replaces tyrosine, which is neutral and polar, with cysteine, which is neutral and slightly polar, at codon 1182 of the STAG2 protein (p.Tyr1182Cys). This variant is not present in population databases (gnomAD no frequency). This variant has not been reported in the literature in individuals affected with STAG2-related conditions. An algorithm developed to predict the effect of missense changes on protein structure and function (PolyPhen-2) suggests that this variant is likely to be disruptive. In summary, the available evidence is currently insufficient to determine the role of this variant in disease. Therefore, it has been classified as a Variant of Uncertain Significance.